The following is an entry in ClinVar:

ClinVar aggregate classification (germline): Uncertain significance (1 of 4 stars; one submission).

Conditions:
Granulomatous disease, chronic, X-linked. Also called: GRANULOMATOUS DISEASE, CHRONIC, X-LINKED, SOMATIC MOSAIC; CYTOCHROME b-NEGATIVE GRANULOMATOUS DISEASE, CHRONIC, X-LINKED. Identifiers: Orphanet 379, MedGen C1844376, MONDO:0010600, OMIM 306400.

Submission:

Labcorp Genetics (formerly Invitae), Labcorp
Classification: Uncertain significance for Granulomatous disease, chronic, X-linked. Last evaluated: 2022-04-16. Review status: criteria provided, single submitter. Criteria: Invitae Variant Classification Sherloc (09022015). Collection method: clinical testing. Allele origin: germline.
Comment: In summary, the available evidence is currently insufficient to determine the role of this variant in disease. Therefore, it has been classified as a Variant of Uncertain Significance. Advanced modeling of protein sequence and biophysical properties (such as structural, functional, and spatial information, amino acid conservation, physicochemical variation, residue mobility, and thermodynamic stability) performed at Invitae indicates that this missense variant is expected to disrupt CYBB protein function. This missense change has been observed in individual(s) with chronic granulomatous disease (PMID: 20729109). This variant is not present in population databases (gnomAD no frequency). This sequence change replaces threonine, which is neutral and polar, with arginine, which is basic and polar, at codon 42 of the CYBB protein (p.Thr42Arg).

Literature cited by the submitters: PubMed 20729109.

NM_000397.4(CYBB):c.125C>G (p.Thr42Arg)

Gene: CYBB (cytochrome b-245 beta chain; plus strand). Cytogenetic location: Xp21.1.
Variant type: single nucleotide variant.
Coding change: c.125C>G on transcript NM_000397.4 (MANE Select); coding-DNA position 125, C replaced by G.
Protein change: p.Thr42Arg; replaces threonine 42 with arginine.
Molecular consequence: missense variant.
Genome position (GRCh38, 1-based): chrX:37,782,167, C>G. VCF-style: chrX-37782167-C-G. GRCh37 (hg19) VCF-style: chrX-37641420-C-G.
Other names: short protein forms T42R.
Identifiers: ClinVar variation 2138519 (VCV002138519.4), dbSNP rs2519190931, ClinGen allele CA412972648.
Genomic context (GRCh38, chrX:37,782,167, plus strand): 5'-ACGTCTTCCTCTTTGTCTGGTATTACCGGGTTTATGATATTCCACCTAAGTTCTTTTACA[C>G]AAGAAAACTTCTTGGGGTAAGTATAAATTCCATCCCATGCAATATTGGCTGGTTCACATT-3'
Protein context (NP_000388.2, residues 32-52): VYDIPPKFFY[Thr42Arg]RKLLGSALAL